The following is an entry in ClinVar:

ClinVar aggregate classification (germline): Conflicting classifications of pathogenicity. Review status: criteria provided, conflicting classifications (1 of 4 stars). 2 submissions from 2 submitters: Likely pathogenic (1); Uncertain significance (1). Last evaluated 2024-12-09.

Submissions (2):

GeneDx
Classification: Likely pathogenic. Last evaluated: 2024-12-09. Review status: criteria provided, single submitter. Criteria: GeneDx Variant Classification Process June 2021. Collection method: clinical testing. Allele origin: germline. Affected: yes.
Comment: Not observed at significant frequency in large population cohorts (gnomAD); In-frame insertion of 3 amino acids in a non-repeat region; In silico analysis supports a deleterious effect on protein structure/function; Has not been previously published as pathogenic or benign to our knowledge

Labcorp Genetics (formerly Invitae), Labcorp
Classification: Uncertain significance. Last evaluated: 2023-12-15. Review status: criteria provided, single submitter. Criteria: Invitae Variant Classification Sherloc (09022015). Collection method: clinical testing. Allele origin: germline.
Comment: This variant, c.769_777dup, results in the insertion of 3 amino acid(s) of the RHO protein (p.Met257_Ile259dup), but otherwise preserves the integrity of the reading frame. This variant is not present in population databases (gnomAD no frequency). This variant has not been reported in the literature in individuals affected with RHO-related conditions. ClinVar contains an entry for this variant (Variation ID: 1009560). Experimental studies and prediction algorithms are not available or were not evaluated, and the functional significance of this variant is currently unknown. In summary, the available evidence is currently insufficient to determine the role of this variant in disease. Therefore, it has been classified as a Variant of Uncertain Significance.

NM_000539.3(RHO):c.769_777dup (p.Met257_Ile259dup)

Gene: RHO (rhodopsin; plus strand). Cytogenetic location: 3q22.1.
Variant type: Duplication.
Coding change: c.769_777dup on transcript NM_000539.3 (MANE Select); coding-DNA positions 769 to 777, 9 bases duplicated (ATGGTCATC; older notation c.769_777dupATGGTCATC).
Protein change: p.Met257_Ile259dup.
Molecular consequence: inframe insertion.
Genome position (GRCh38, 1-based): chr3:129,532,605-129,532,613, ATGGTCATC duplicated; duplicating any 9 consecutive bases within chr3:129,532,600-129,532,613 gives the same sequence; the c. name uses the placement nearest the transcript's 3' end. VCF-style (leftmost placement, unchanged base first): chr3-129532599-A-ATCATCATGG. GRCh37 (hg19) VCF-style: chr3-129251442-A-ATCATCATGG.
Identifiers: ClinVar variation 1009560 (VCV001009560.9), dbSNP rs2084789258, ClinGen allele CA1401211728.